The following is an entry in ClinVar:

NM_000092.5(COL4A4):c.1952G>T (p.Gly651Val)

Gene: COL4A4 (collagen type IV alpha 4 chain; minus strand). Cytogenetic location: 2q36.3.
Variant type: single nucleotide variant.
Coding change: c.1952G>T on transcript NM_000092.5 (MANE Select); coding-DNA position 1952, G replaced by T.
Protein change: p.Gly651Val; replaces glycine 651 with valine.
Molecular consequence: missense variant.
Genome position (GRCh38, 1-based): chr2:227,077,929, C>A on the plus strand (G>T on the coding strand, the complement: COL4A4 is on the minus strand). VCF-style: chr2-227077929-C-A. GRCh37 (hg19) VCF-style: chr2-227942645-C-A.
Other names: c.1952G>T (NM_000092.4); short protein forms G651V.
Identifiers: ClinVar variation 974514 (VCV000974514.2), dbSNP rs2059121113, ClinGen allele CA350845160.

ClinVar aggregate classification (germline): Likely pathogenic. Review status: criteria provided, multiple submitters, no conflicts (2 of 4 stars). 2 submissions from 2 submitters: Likely pathogenic (2). Last evaluated 2024-08-21.

Conditions:
Alport syndrome. Also called: Hemorrhagic familial nephritis; Hemorrhagic hereditary nephritis; Congenital hereditary hematuria. Identifiers: Orphanet 63, MedGen C1567741, MONDO:0018965.
Autosomal recessive Alport syndrome (ATS2). Also called: COL4A3-Related Nephropathy; ALPORT SYNDROME 2, AUTOSOMAL RECESSIVE; Alport syndrome type 2; COL4A4 Alport Syndrome and Thin Basement Membrane Nephropathy. Identifiers: Orphanet 63, Orphanet 88919, MedGen C4746745, MONDO:0008762, OMIM 203780.

Submissions (2):

Natera, Inc.
Classification: Likely pathogenic for Alport syndrome. Last evaluated: 2024-08-21. Review status: criteria provided, single submitter. Criteria: Natera Variant Classification Schema (03/2026). Collection method: clinical testing. Allele origin: germline.
Comment: The c.1952G>T variant in COL4A4 is a missense variant predicted to cause substitution of glycine to valine at amino acid 651. This variant is rare in the general population with a frequency below the threshold expected for the associated phenotype(s). This variant has been observed in affected individual(s) with monoallelic occurrence (heterozygous/hemizygous) (PMID: 33838161, 33532864). This variant has been observed to segregate in affected family members (PMID: 33838161). This variant is located in a functionally critical region of the protein. Computational prediction algorithms indicate this variant is likely to affect gene or protein function. Given the available evidence, this variant is classified as Likely Pathogenic.

Molecular Biology Laboratory, Fundació Puigvert
Classification: Likely pathogenic for Autosomal recessive Alport syndrome. Last evaluated: 2020-02-01. Review status: criteria provided, single submitter. Criteria: ACMG Guidelines, 2015. Collection method: research. Allele origin: germline. Affected: yes. Study: KidneyPanel_2020.

Literature cited by the submitters: PubMed 33838161 (cited by Natera, Inc.); PubMed 33532864 (cited by Natera, Inc. and Molecular Biology Laboratory, Fundació Puigvert).